The following is an entry in ClinVar:

NM_020297.4(ABCC9):c.1299T>A (p.Asn433Lys)

Gene: ABCC9 (ATP binding cassette subfamily C member 9; minus strand). Cytogenetic location: 12p12.1.
Variant type: single nucleotide variant.
Coding change: c.1299T>A on transcript NM_020297.4 (MANE Select); coding-DNA position 1299, T replaced by A.
Protein change: p.Asn433Lys; replaces asparagine 433 with lysine.
Molecular consequence: missense variant.
Genome position (GRCh38, 1-based): chr12:21,910,178, A>T on the plus strand (T>A on the coding strand, the complement: ABCC9 is on the minus strand). VCF-style: chr12-21910178-A-T. GRCh37 (hg19) VCF-style: chr12-22063112-A-T.
Other names: c.1299T>A, p.Asn433Lys (NM_001377273.1, NM_005691.4); c.435T>A, p.Asn145Lys (NM_001377274.1); short protein forms N145K, N433K.
Identifiers: ClinVar variation 4695143 (VCV004695143.1).
Genomic context (GRCh38, chr12:21,910,178, plus strand): 5'-CTCTGCAGACAAAAATCTTACTTATATTTATCTACCTACCTGAACAGGCATAGCCCATAG[A>T]TTGGGACACAGGAACAAAAACCACATGAGTTGATTAGTTTCAATGGCGACTAAGTTGTTG-3'
Protein context (NP_064693.2, residues 423-443): QLMWFLFLCP[Asn433Lys]LWAMPVQIIM

ClinVar aggregate classification (germline): Uncertain significance (1 of 4 stars; one submission).

Conditions:
Dilated cardiomyopathy 1O (CMD1O). Also called: CARDIOMYOPATHY, DILATED, WITH VENTRICULAR TACHYCARDIA. Identifiers: Orphanet 154, MedGen C1837839, MONDO:0012062, OMIM 608569.

gnomAD v4.1: 1 of 1,611,488 alleles (0.000062%); highest among the groups gnomAD compares: Non-Finnish European, 0.000085%; no homozygotes.

Submission:

Labcorp Genetics (formerly Invitae), Labcorp
Classification: Uncertain significance for Dilated cardiomyopathy 1O. Last evaluated: 2025-05-26. Review status: criteria provided, single submitter. Criteria: Invitae Variant Classification Sherloc (09022015). Collection method: clinical testing. Allele origin: germline.
Comment: This sequence change replaces asparagine, which is neutral and polar, with lysine, which is basic and polar, at codon 433 of the ABCC9 protein (p.Asn433Lys). This variant is not present in population databases (gnomAD no frequency). This variant has not been reported in the literature in individuals affected with ABCC9-related conditions. Invitae Evidence Modeling of protein sequence and biophysical properties (such as structural, functional, and spatial information, amino acid conservation, physicochemical variation, residue mobility, and thermodynamic stability) indicates that this missense variant is expected to disrupt ABCC9 protein function with a positive predictive value of 95%. In summary, the available evidence is currently insufficient to determine the role of this variant in disease. Therefore, it has been classified as a Variant of Uncertain Significance.